The following is an entry in ClinVar:

ClinVar aggregate classification (germline): Likely benign (1 of 4 stars; one submission).

Conditions:
PKD1L1-related disorder. Also called: PKD1L1-related condition.

gnomAD v4.1: 5 of 1,560,196 alleles (0.00032%); highest among the groups gnomAD compares: Non-Finnish European, 0.00044%; no homozygotes.

Submission:

PreventionGenetics, part of Exact Sciences
Classification: Likely benign for PKD1L1-related condition. Last evaluated: 2026-03-17. Review status: criteria provided, single submitter. Criteria: ACMG Guidelines, 2015. Collection method: clinical testing. Allele origin: germline.
Comment: This variant is classified as likely benign based on ACMG/AMP sequence variant interpretation guidelines (Richards et al. 2015 PMID: 25741868, with internal and published modifications).

NM_138295.5(PKD1L1):c.4860-10T>C

Gene: PKD1L1 (polycystin 1 like 1, transient receptor potential channel interacting; minus strand). Cytogenetic location: 7p12.3.
Variant type: single nucleotide variant.
Coding change: c.4860-10T>C on transcript NM_138295.5 (MANE Select); 10 bases into the intron before coding-DNA position 4860, T replaced by C.
Molecular consequence: intron variant.
Genome position (GRCh38, 1-based): chr7:47,853,237, A>G on the plus strand (T>C on the coding strand, the complement: PKD1L1 is on the minus strand). VCF-style: chr7-47853237-A-G. GRCh37 (hg19) VCF-style: chr7-47892835-A-G.
Identifiers: ClinVar variation 4978633 (VCV004978633.1).
Genomic context (GRCh38, chr7:47,853,237, plus strand): 5'-AAGTAGATCTGCTTCACAAGAAAATCAGAGGGAGTAGGTTTCTCAGAGAATCTAGGAGAT[A>G]AAAACAAAATAGGGATTTCTCATTTTTTTCTTCTCTCTCAAAGGTTTTAGTCAAATTTCT-3'